The following is an entry in ClinVar:

ClinVar aggregate classification (germline): Conflicting classifications of pathogenicity. Review status: criteria provided, conflicting classifications (1 of 4 stars). 7 submissions from 7 submitters: Uncertain significance (5); Likely benign (2). Last evaluated 2026-08-10.

Conditions:
TNXB-related disorder. Also called: TNXB-related condition.
Cardiovascular phenotype. Identifiers: MedGen CN230736.
Ehlers-Danlos syndrome (EDS). Identifiers: Orphanet 98249, MedGen C0013720, MONDO:0020066.

Allele frequency attached by ClinVar (database versions not stated): 1000 Genomes Project 0.00040; ESP Exome Variant Server 0.00040; gnomAD exomes 0.00040 and 0.00042; TOPMed 0.00040; ExAC 0.00041; gnomAD 0.00041 and 0.00043; 1000 Genomes Project 30x 0.00047.
gnomAD v4.1: 639 of 1,613,826 alleles (0.04%); highest among the groups gnomAD compares: Non-Finnish European, 0.05%; 1 homozygote.

Submissions (7):

GeneDx
Classification: Uncertain significance. Last evaluated: 2026-08-10. Review status: criteria provided, single submitter. Criteria: GeneDx Variant Classification Process June 2021. Collection method: clinical testing. Allele origin: germline.
Comment: In silico analysis supports that this missense variant has a deleterious effect on protein structure/function; Has not been previously published as pathogenic or benign in association with connective tissue disorders to our knowledge; This variant is associated with the following publications: (PMID: 35982159, 33057194)

Women's Health and Genetics/Laboratory Corporation of America, LabCorp
Classification: Uncertain significance. Last evaluated: 2026-03-03. Review status: criteria provided, single submitter. Criteria: LabCorp Variant Classification Summary - May 2015. Collection method: clinical testing. Allele origin: germline.
Comment: Variant summary: TNXB c.8984G>A (p.Arg2995His) results in a non-conservative amino acid change in the encoded protein sequence. Algorithms developed to predict the effect of missense changes on protein structure and function are either unavailable or do not agree on the potential impact of this missense change. The variant allele was found at a frequency of 0.00042 in 246146 control chromosomes. This frequency is not significantly higher than estimated for disease-causing variants in TNXB, allowing no conclusion about variant significance. To our knowledge, no occurrence of c.8984G>A in individuals affected with TNXB-related conditions and no experimental evidence demonstrating its impact on protein function have been reported. ClinVar contains an entry for this variant (Variation ID: 425369). Based on the evidence outlined above, the variant was classified as uncertain significance.

CeGaT Center for Human Genetics Tuebingen
Classification: Likely benign. Last evaluated: 2026-02-01. Review status: criteria provided, single submitter. Criteria: CeGaT Center For Human Genetics Tuebingen Variant Classification Criteria Version 2. Collection method: clinical testing. Allele origin: germline. Affected: yes. Observed: 5 variant alleles.
Comment: TNXB: BP4

Ambry Genetics
Classification: Likely benign for Cardiovascular phenotype. Last evaluated: 2024-04-25. Review status: criteria provided, single submitter. Criteria: Ambry Variant Classification Scheme 2023. Collection method: clinical testing. Allele origin: germline.

Mayo Clinic Laboratories, Mayo Clinic
Classification: Uncertain significance. Last evaluated: 2023-08-28. Review status: criteria provided, single submitter. Criteria: ACMG Guidelines, 2015. Collection method: clinical testing. Allele origin: germline. Observed: 3 variant alleles.
Comment: BP4

PreventionGenetics, part of Exact Sciences
Classification: Uncertain significance for TNXB-related condition. Last evaluated: 2023-03-30. Review status: criteria provided, single submitter. Criteria: ACMG Guidelines, 2015. Collection method: clinical testing. Allele origin: germline.
Comment: The TNXB c.8984G>A variant is predicted to result in the amino acid substitution p.Arg2995His. To our knowledge, this variant has not been reported in the literature. This variant is reported in 0.074% of alleles in individuals of European (Non-Finnish) descent in gnomAD. Although we suspect that this variant may be benign, at this time, the clinical significance of this variant is uncertain due to the absence of conclusive functional and genetic evidence.

Genome Diagnostics Laboratory, The Hospital for Sick Children
Classification: Uncertain significance for Ehlers-Danlos syndrome. Last evaluated: 2022-03-02. Review status: criteria provided, single submitter. Criteria: ACMG Guidelines, 2015. Collection method: clinical testing. Allele origin: germline.

Literature cited by the submitters: PubMed 33057194 (cited by Mayo Clinic Laboratories, Mayo Clinic); PubMed 35982159 (cited by Mayo Clinic Laboratories, Mayo Clinic).

NM_001365276.2(TNXB):c.8990G>A (p.Arg2997His)

Gene: TNXB (tenascin XB; minus strand). Cytogenetic location: 6p21.33.
Variant type: single nucleotide variant.
Coding change: c.8990G>A on transcript NM_001365276.2 (MANE Select); coding-DNA position 8990, G replaced by A.
Protein change: p.Arg2997His; replaces arginine 2997 with histidine.
Molecular consequence: missense variant.
Genome position (GRCh38, 1-based): chr6:32,052,795, C>T on the plus strand (G>A on the coding strand, the complement: TNXB is on the minus strand). VCF-style: chr6-32052795-C-T. GRCh37 (hg19) VCF-style: chr6-32020572-C-T.
Other names: p.Arg2995His; c.8984G>A, p.Arg2995His (NM_019105.8); short protein forms R2995H, R2997H.
Identifiers: ClinVar variation 425369 (VCV000425369.59), dbSNP rs41270454, ClinGen allele CA3733687.